The following is an entry in ClinVar:

ClinVar aggregate classification (germline): Uncertain significance. Review status: criteria provided, multiple submitters, no conflicts (2 of 4 stars). 2 submissions from 2 submitters: Uncertain significance (2). Last evaluated 2025-10-19.

Conditions:
Inborn genetic diseases. Identifiers: MedGen C0950123, MeSH D030342.

gnomAD v4.1: 4 of 1,613,506 alleles (0.00025%); highest among the groups gnomAD compares: Admixed American, 0.0017%; no homozygotes.

Submissions (2):

Labcorp Genetics (formerly Invitae), Labcorp
Classification: Uncertain significance. Last evaluated: 2025-10-19. Review status: criteria provided, single submitter. Criteria: Invitae Variant Classification Sherloc (09022015). Collection method: clinical testing. Allele origin: germline.
Comment: This sequence change replaces threonine, which is neutral and polar, with methionine, which is neutral and non-polar, at codon 92 of the SMAD2 protein (p.Thr92Met). This variant is present in population databases (no rsID available, gnomAD 0.003%). This variant has not been reported in the literature in individuals affected with SMAD2-related conditions. ClinVar contains an entry for this variant (Variation ID: 1795661). Invitae Evidence Modeling of protein sequence and biophysical properties (such as structural, functional, and spatial information, amino acid conservation, physicochemical variation, residue mobility, and thermodynamic stability) indicates that this missense variant is not expected to disrupt SMAD2 protein function with a negative predictive value of 95%. In summary, the available evidence is currently insufficient to determine the role of this variant in disease. Therefore, it has been classified as a Variant of Uncertain Significance.

Ambry Genetics
Classification: Uncertain significance for Inborn genetic diseases. Last evaluated: 2021-10-07. Review status: criteria provided, single submitter. Criteria: Ambry Variant Classification Scheme 2023. Collection method: clinical testing. Allele origin: germline.
Comment: The p.T92M variant (also known as c.275C>T), located in coding exon 2 of the SMAD2 gene, results from a C to T substitution at nucleotide position 275. The threonine at codon 92 is replaced by methionine, an amino acid with similar properties. This amino acid position is conserved. In addition, this alteration is predicted to be deleterious by in silico analysis. Since supporting evidence is limited at this time, the clinical significance of this alteration remains unclear.

NM_005901.6(SMAD2):c.275C>T (p.Thr92Met)

Gene: SMAD2 (SMAD family member 2; minus strand). Cytogenetic location: 18q21.1.
Variant type: single nucleotide variant.
Coding change: c.275C>T on transcript NM_005901.6 (MANE Select); coding-DNA position 275, C replaced by T.
Protein change: p.Thr92Met; replaces threonine 92 with methionine.
Molecular consequence: missense variant. On other transcripts: intron variant (1).
Genome position (GRCh38, 1-based): chr18:47,870,526, G>A on the plus strand (C>T on the coding strand, the complement: SMAD2 is on the minus strand). VCF-style: chr18-47870526-G-A. GRCh37 (hg19) VCF-style: chr18-45396897-G-A.
Other names: c.275C>T, p.Thr92Met (NM_001003652.4); c.237-1090C>T (NM_001135937.3); short protein forms T92M.
Identifiers: ClinVar variation 1795661 (VCV001795661.3), dbSNP rs984513669, ClinGen allele CA402502381.